The following is an entry in ClinVar:

ClinVar aggregate classification (germline): Likely pathogenic (1 of 4 stars; one submission).

Conditions:
2-aminoadipic 2-oxoadipic aciduria (AAKAD). Also called: Aminoadipic aciduria; ALPHA-AMINOADIPIC AND ALPHA-KETOADIPIC ACIDURIA. Identifiers: Orphanet 79154, MedGen C1859817, MONDO:0008774, OMIM 204750.

Submission:

Labcorp Genetics (formerly Invitae), Labcorp
Classification: Likely pathogenic for 2-aminoadipic 2-oxoadipic aciduria. Last evaluated: 2023-11-24. Review status: criteria provided, single submitter. Criteria: Invitae Variant Classification Sherloc (09022015). Collection method: clinical testing. Allele origin: germline.
Comment: This variant results in the deletion of exons 14-15 and part of exon 16 (c.2320-978_2584del) of the DHTKD1 gene. It is expected to disrupt RNA splicing. Variants that disrupt the donor or acceptor splice site typically lead to a loss of protein function (PMID: 16199547), and loss-of-function variants in DHTKD1 are known to be pathogenic (PMID: 23141293, 25860818). This variant has not been reported in the literature in individuals affected with DHTKD1-related conditions. In summary, the currently available evidence indicates that the variant is pathogenic, but additional data are needed to prove that conclusively. Therefore, this variant has been classified as Likely Pathogenic.

Literature cited by the submitters: PubMed 16199547; PubMed 23141293; PubMed 25860818.

NC_000010.10:g.(?_12158694)_(12162192_?)del

Gene: DHTKD1 (dehydrogenase E1 and transketolase domain containing 1; plus strand). Cytogenetic location: 10p14.
Variant type: Deletion.
Identifiers: ClinVar variation 1522292 (VCV001522292.6).